The following is an entry in ClinVar:

ClinVar aggregate classification (germline): Uncertain significance (1 of 4 stars; one submission).

Submission:

Dasa
Classification: Uncertain significance. Last evaluated: 2026-02-16. Review status: criteria provided, single submitter. Criteria: DASA Assertion Criteria. Collection method: clinical testing. Allele origin: germline.
Comment: NM_015030.2(FRYL):c.3154_3156del (p.Ile1052del) is an in-frame deletion predicted to remove isoleucine at protein position 1052 without shifting the reading frame. This variant is rare in population databases. The currently available literature and clinical evidence are not sufficient to establish a definitive association between this variant and the reported condition. Therefore, this variant is classified as a variant of uncertain significance.

NM_015030.2(FRYL):c.3151ATT[1] (p.Ile1052del)

Gene: FRYL (FRY like transcription coactivator; minus strand). Cytogenetic location: 4p11.
Variant type: Microsatellite.
Coding change: c.3151ATT[1] on transcript NM_015030.2 (MANE Select); one copy of the 3-base unit ATT starting at c.3151; the reference has two copies in a row; one copy, 3 bases deleted; also written c.3154_3156del.
Protein change: p.Ile1052del; deletes isoleucine 1052.
Molecular consequence: inframe deletion.
Genome position (GRCh38, 1-based): chr4:48,567,261-48,567,263, AAT deleted on the plus strand (ATT on the coding strand, the reverse complement: FRYL is on the minus strand); deleting any 3 consecutive bases within chr4:48,567,261-48,567,267 gives the same sequence; the position shown is the placement nearest the transcript's 3' end. VCF-style (leftmost placement, unchanged base first): chr4-48567260-GAAT-G. GRCh37 (hg19) VCF-style: chr4-48569277-GAAT-G.
Other names: c.3154_3156del (NM_015030.2); short protein forms I1052del.
Identifiers: ClinVar variation 4884001 (VCV004884001.2).